The following is an entry in ClinVar:

ClinVar aggregate classification (germline): Likely benign. Review status: criteria provided, multiple submitters, no conflicts (2 of 4 stars). 2 submissions from 2 submitters: Likely benign (2). Last evaluated 2025-06-09.

Conditions:
Dilated cardiomyopathy 1II (CMD1II). Identifiers: Orphanet 154, MedGen C3554649, MONDO:0014073, OMIM 615184.

Allele frequency attached by ClinVar (database versions not stated): TOPMed 0.00001; ESP Exome Variant Server 0.00015.
gnomAD v4.1: 15 of 1,613,600 alleles (0.00093%); highest among the groups gnomAD compares: Non-Finnish European, 0.0013%; no homozygotes.

Submissions (2):

Labcorp Genetics (formerly Invitae), Labcorp
Classification: Likely benign for Dilated cardiomyopathy 1II. Last evaluated: 2025-06-09. Review status: criteria provided, single submitter. Criteria: Invitae Variant Classification Sherloc (09022015). Collection method: clinical testing. Allele origin: germline.

GeneDx
Classification: Likely benign. Last evaluated: 2017-07-28. Review status: criteria provided, single submitter. Criteria: GeneDx Variant Classification (06012015). Collection method: clinical testing. Allele origin: germline. Affected: yes.
Comment: This variant is considered likely benign or benign based on one or more of the following criteria: it is a conservative change, it occurs at a poorly conserved position in the protein, it is predicted to be benign by multiple in silico algorithms, and/or has population frequency not consistent with disease.

NM_001289808.2(CRYAB):c.471C>G (p.Arg157=)

Gene: CRYAB (crystallin alpha B; minus strand). Cytogenetic location: 11q23.1.
Variant type: single nucleotide variant.
Coding change: c.471C>G on transcript NM_001289808.2 (MANE Select); coding-DNA position 471, C replaced by G.
Protein change: p.Arg157=; no amino-acid change (arginine 157 retained).
Molecular consequence: synonymous variant.
Genome position (GRCh38, 1-based): chr11:111,908,821, G>C on the plus strand (C>G on the coding strand, the complement: CRYAB is on the minus strand). VCF-style: chr11-111908821-G-C. GRCh37 (hg19) VCF-style: chr11-111779545-G-C.
Other names: c.471C>G, p.Arg157= (NM_001289807.1, NM_001368245.1, NM_001885.3); c.270C>G, p.Arg90= (NM_001330379.1, NM_001368246.1).
Identifiers: ClinVar variation 511155 (VCV000511155.9), dbSNP rs373551429, ClinGen allele CA6275456.